The following is an entry in ClinVar:

NM_000180.4(GUCY2D):c.144dup (p.Ala49fs)

Gene: GUCY2D (guanylate cyclase 2D, retinal; plus strand). Cytogenetic location: 17p13.1.
Variant type: Duplication.
Coding change: c.144dup on transcript NM_000180.4 (MANE Select); coding-DNA position 144, one base duplicated (C; older notation c.144dupC).
Protein change: p.Ala49fs; shifts the reading frame from alanine 49.
Molecular consequence: frameshift variant.
Genome position (GRCh38, 1-based): chr17:8,003,191, C duplicated; the last of 6 consecutive C bases (chr17:8,003,186-8,003,191); duplicating any one gives the same sequence. VCF-style (leftmost placement, unchanged base first): chr17-8003185-G-GC. GRCh37 (hg19) VCF-style: chr17-7906503-G-GC.
Other names: short protein forms A49fs.
Identifiers: ClinVar variation 2943135 (VCV002943135.3), dbSNP rs1567956946, ClinGen allele CA624867830.

ClinVar aggregate classification (germline): Pathogenic (1 of 4 stars; one submission).

Conditions:
Cone-rod dystrophy 6 (CORD6). Also called: RETINAL CONE DYSTROPHY 2; Cone dystrophy progressive. Identifiers: Orphanet 1872, MedGen C1866293, MONDO:0011143, OMIM 601777.
Leber congenital amaurosis 1 (LCA1). Also called: AMAUROSIS CONGENITA OF LEBER I; RETINAL BLINDNESS, CONGENITAL; Congenital absence of the rods and cones; Leber's congenital tapetoretinal degeneration; Leber's congenital tapetoretinal dysplasia. Identifiers: Orphanet 65, MedGen C2931258, MONDO:0008764, OMIM 204000.

Submission:

Labcorp Genetics (formerly Invitae), Labcorp
Classification: Pathogenic for Leber congenital amaurosis 1; Cone-rod dystrophy 6. Last evaluated: 2023-01-13. Review status: criteria provided, single submitter. Criteria: Invitae Variant Classification Sherloc (09022015). Collection method: clinical testing. Allele origin: germline.
Comment: For these reasons, this variant has been classified as Pathogenic. This variant has not been reported in the literature in individuals affected with GUCY2D-related conditions. The frequency data for this variant in the population databases is considered unreliable, as metrics indicate poor data quality at this position in the gnomAD database. This sequence change creates a premature translational stop signal (p.Ala49Argfs*270) in the GUCY2D gene. It is expected to result in an absent or disrupted protein product. Loss-of-function variants in GUCY2D are known to be pathogenic (PMID: 10951519, 11328726).

Literature cited by the submitters: PubMed 10951519; PubMed 11328726.